The following is an entry in ClinVar:

NM_002095.6(GTF2E2):c.673G>A (p.Val225Ile)

Gene: GTF2E2 (general transcription factor IIE subunit 2; minus strand). Cytogenetic location: 8p12.
Variant type: single nucleotide variant.
Coding change: c.673G>A on transcript NM_002095.6 (MANE Select); coding-DNA position 673, G replaced by A.
Protein change: p.Val225Ile; replaces valine 225 with isoleucine.
Molecular consequence: missense variant.
Genome position (GRCh38, 1-based): chr8:30,580,367, C>T on the plus strand (G>A on the coding strand, the complement: GTF2E2 is on the minus strand). VCF-style: chr8-30580367-C-T. GRCh37 (hg19) VCF-style: chr8-30437884-C-T.
Other names: short protein forms V225I.
Identifiers: ClinVar variation 1409900 (VCV001409900.8), dbSNP rs2151104228, ClinGen allele CA370875135.

ClinVar aggregate classification (germline): Uncertain significance (1 of 4 stars; one submission).

gnomAD v4.1: 1 of 1,593,116 alleles (0.000063%); highest among the groups gnomAD compares: Non-Finnish European, 0.000086%; no homozygotes.

Submission:

Labcorp Genetics (formerly Invitae), Labcorp
Classification: Uncertain significance. Last evaluated: 2022-02-05. Review status: criteria provided, single submitter. Criteria: Invitae Variant Classification Sherloc (09022015). Collection method: clinical testing. Allele origin: germline.
Comment: This sequence change replaces valine, which is neutral and non-polar, with isoleucine, which is neutral and non-polar, at codon 225 of the GTF2E2 protein (p.Val225Ile). This variant is not present in population databases (gnomAD no frequency). This variant has not been reported in the literature in individuals affected with GTF2E2-related conditions. Algorithms developed to predict the effect of missense changes on protein structure and function are either unavailable or do not agree on the potential impact of this missense change (SIFT: "Tolerated"; PolyPhen-2: "Possibly Damaging"; Align-GVGD: "Class C0"). In summary, the available evidence is currently insufficient to determine the role of this variant in disease. Therefore, it has been classified as a Variant of Uncertain Significance.